The following is an entry in ClinVar:

NM_199355.4(ADAMTS18):c.1135A>C (p.Asn379His)

Gene: ADAMTS18 (ADAM metallopeptidase with thrombospondin type 1 motif 18; minus strand). Cytogenetic location: 16q23.1.
Variant type: single nucleotide variant.
Coding change: c.1135A>C on transcript NM_199355.4 (MANE Select); coding-DNA position 1135, A replaced by C.
Protein change: p.Asn379His; replaces asparagine 379 with histidine.
Molecular consequence: missense variant.
Genome position (GRCh38, 1-based): chr16:77,362,186, T>G on the plus strand (A>C on the coding strand, the complement: ADAMTS18 is on the minus strand). VCF-style: chr16-77362186-T-G. GRCh37 (hg19) VCF-style: chr16-77396083-T-G.
Other names: c.619A>C, p.Asn207His (NM_001326358.2); c.1135A>C (NM_199355.2); short protein forms N207H, N379H.
Identifiers: ClinVar variation 950841 (VCV000950841.9), dbSNP rs200988071, ClinGen allele CA8181427.

ClinVar aggregate classification (germline): Uncertain significance. Review status: criteria provided, multiple submitters, no conflicts (2 of 4 stars). 3 submissions from 3 submitters: Uncertain significance (3). Last evaluated 2026-01-26.

Conditions:
Inborn genetic diseases. Identifiers: MedGen C0950123, MeSH D030342.

Allele frequency attached by ClinVar (database versions not stated): TOPMed 0.00005; gnomAD 0.00006 and 0.00008; gnomAD exomes 0.00006; ExAC 0.00007.
gnomAD v4.1: 92 of 1,614,004 alleles (0.0057%); highest among the groups gnomAD compares: Non-Finnish European, 0.0072%; no homozygotes.

Submissions (3):

Labcorp Genetics (formerly Invitae), Labcorp
Classification: Uncertain significance. Last evaluated: 2026-01-26. Review status: criteria provided, single submitter. Criteria: Invitae Variant Classification Sherloc (09022015). Collection method: clinical testing. Allele origin: germline.
Comment: This sequence change replaces asparagine, which is neutral and polar, with histidine, which is basic and polar, at codon 379 of the ADAMTS18 protein (p.Asn379His). This variant is present in population databases (rs200988071, gnomAD 0.01%). This variant has not been reported in the literature in individuals affected with ADAMTS18-related conditions. ClinVar contains an entry for this variant (Variation ID: 950841). An algorithm developed to predict the effect of missense changes on protein structure and function (PolyPhen-2) suggests that this variant is likely to be tolerated. In summary, the available evidence is currently insufficient to determine the role of this variant in disease. Therefore, it has been classified as a Variant of Uncertain Significance.

Ambry Genetics
Classification: Uncertain significance for Inborn genetic diseases. Last evaluated: 2025-08-11. Review status: criteria provided, single submitter. Criteria: Ambry Variant Classification Scheme 2023. Collection method: clinical testing. Allele origin: germline.

Blueprint Genetics
Classification: Uncertain significance. Last evaluated: 2024-11-13. Review status: criteria provided, single submitter. Criteria: ACMG Guidelines, 2015. Collection method: clinical testing. Allele origin: germline.